The following is an entry in ClinVar:

ClinVar aggregate classification (germline): Uncertain significance. Review status: criteria provided, multiple submitters, no conflicts (2 of 4 stars). 3 submissions from 3 submitters: Uncertain significance (2). 1 of the submissions does not count toward it. Last evaluated 2023-11-13.

Conditions:
Retinal dystrophy. Also called: Inherited retinal dystrophy. Identifiers: Orphanet 71862, MedGen C0854723, MeSH D058499, MONDO:0019118, HP:0000556.

Allele frequency attached by ClinVar (database versions not stated): gnomAD exomes below 0.00001.

Submissions (3):

Labcorp Genetics (formerly Invitae), Labcorp
Classification: Uncertain significance. Last evaluated: 2023-11-13. Review status: criteria provided, single submitter. Criteria: Invitae Variant Classification Sherloc (09022015). Collection method: clinical testing. Allele origin: germline.
Comment: This sequence change replaces isoleucine, which is neutral and non-polar, with methionine, which is neutral and non-polar, at codon 560 of the PRPF3 protein (p.Ile560Met). This variant is present in population databases (no rsID available, gnomAD 0.003%). This variant has not been reported in the literature in individuals affected with PRPF3-related conditions. ClinVar contains an entry for this variant (Variation ID: 1407103). Advanced modeling of protein sequence and biophysical properties (such as structural, functional, and spatial information, amino acid conservation, physicochemical variation, residue mobility, and thermodynamic stability) has been performed at Invitae for this missense variant, however the output from this modeling did not meet the statistical confidence thresholds required to predict the impact of this variant on PRPF3 protein function. In summary, the available evidence is currently insufficient to determine the role of this variant in disease. Therefore, it has been classified as a Variant of Uncertain Significance.

Blueprint Genetics
Classification: Uncertain significance. Last evaluated: 2022-09-13. Review status: criteria provided, single submitter. Criteria: ACMG Guidelines, 2015. Collection method: clinical testing. Allele origin: germline.

Institute of Human Genetics, Univ. Regensburg, Univ. Regensburg
Classification: Uncertain significance for Retinal dystrophy. Last evaluated: 2022-01-01. Review status: no assertion criteria provided. Criteria: ACMG Guidelines, 2015. Collection method: clinical testing. Allele origin: germline. Affected: yes. Not counted in ClinVar's aggregate classification.

NM_004698.4(PRPF3):c.1680T>G (p.Ile560Met)

Gene: PRPF3 (pre-mRNA processing factor 3; plus strand). Cytogenetic location: 1q21.2.
Variant type: single nucleotide variant.
Coding change: c.1680T>G on transcript NM_004698.4 (MANE Select); coding-DNA position 1680, T replaced by G.
Protein change: p.Ile560Met; replaces isoleucine 560 with methionine.
Molecular consequence: missense variant. On other transcripts: non-coding transcript variant (4).
Genome position (GRCh38, 1-based): chr1:150,346,057, T>G. VCF-style: chr1-150346057-T-G. GRCh37 (hg19) VCF-style: chr1-150318533-T-G.
Other names: c.1275T>G, p.Ile425Met (NM_001350529.1); short protein forms I560M, I425M.
Identifiers: ClinVar variation 1407103 (VCV001407103.8), dbSNP rs1553872870, ClinGen allele CA342284044.
Genomic context (GRCh38, chr1:150,346,057, plus strand): 5'-ACTAAACTTTCCCTTCTCCAGAGTTCGAAATTTGAGCAACCCAGCCAAGAAGTTCAAGAT[T>G]GAAGCCAATGCTGGGCAACTGTACCTGACAGGGGTGGTGGTACTGCACAAGGATGTCAAC-3'
Protein context (NP_004689.1, residues 550-570): NLSNPAKKFK[Ile560Met]EANAGQLYLT